The following is an entry in ClinVar:

ClinVar aggregate classification (germline): Uncertain significance (1 of 4 stars; one submission).

Conditions:
Emery-Dreifuss muscular dystrophy 4, autosomal dominant (EDMD4). Also called: EMERY-DREIFUSS MUSCULAR DYSTROPHY 4 WITH VARIABLE FEATURES. Identifiers: Orphanet 261, MedGen C2751807, MONDO:0013071, OMIM 612998.
Autosomal recessive ataxia, Beauce type. Also called: Spinocerebellar ataxia, autosomal recessive 8; ATAXIA, RECESSIVE, OF BEAUCE; SYNE1-Related Autosomal Recessive Cerebellar Ataxia; SYNE1 Deficiency. Identifiers: Orphanet 88644, MedGen C1853116, MONDO:0012549, OMIM 610743.

Submission:

Labcorp Genetics (formerly Invitae), Labcorp
Classification: Uncertain significance for Emery-Dreifuss muscular dystrophy 4, autosomal dominant; Autosomal recessive ataxia, Beauce type. Last evaluated: 2022-09-19. Review status: criteria provided, single submitter. Criteria: Invitae Variant Classification Sherloc (09022015). Collection method: clinical testing. Allele origin: germline.
Comment: In summary, the available evidence is currently insufficient to determine the role of this variant in disease. Therefore, it has been classified as a Variant of Uncertain Significance. Algorithms developed to predict the effect of missense changes on protein structure and function are either unavailable or do not agree on the potential impact of this missense change (SIFT: "Deleterious"; PolyPhen-2: "Benign"; Align-GVGD: "Class C15"). This variant has not been reported in the literature in individuals affected with SYNE1-related conditions. This sequence change replaces asparagine, which is neutral and polar, with histidine, which is basic and polar, at codon 4095 of the SYNE1 protein (p.Asn4095His). This variant is not present in population databases (gnomAD no frequency). ClinVar contains an entry for this variant (Variation ID: 943521).

NM_182961.4(SYNE1):c.12496A>C (p.Asn4166His)

Gene: SYNE1 (spectrin repeat containing nuclear envelope protein 1; minus strand). Cytogenetic location: 6q25.2.
Variant type: single nucleotide variant.
Coding change: c.12496A>C on transcript NM_182961.4 (MANE Select); coding-DNA position 12496, A replaced by C.
Protein change: p.Asn4166His; replaces asparagine 4166 with histidine.
Molecular consequence: missense variant.
Genome position (GRCh38, 1-based): chr6:152,336,873, T>G on the plus strand (A>C on the coding strand, the complement: SYNE1 is on the minus strand). VCF-style: chr6-152336873-T-G. GRCh37 (hg19) VCF-style: chr6-152658008-T-G.
Other names: c.12283A>C, p.Asn4095His (NM_033071.5); short protein forms N4095H, N4166H.
Identifiers: ClinVar variation 943521 (VCV000943521.9), dbSNP rs147385939, ClinGen allele CA366108351.